The following is an entry in ClinVar:

Conditions:
Breast-ovarian cancer, familial, susceptibility to, 1 (BROVCA1). Also called: BRCA1 Hereditary Breast and Ovarian Cancer; OVARIAN CANCER, SUSCEPTIBILITY TO. Identifiers: Orphanet 145, MedGen C2676676, MONDO:0011450, OMIM 604370. Disease mechanism: loss of function.

Submission:

Brotman Baty Institute, University of Washington
No classification provided (evidence only). Condition: Breast-ovarian cancer, familial 1. Review status: no classification provided. Collection method: in vitro. Allele origin: not applicable. Functional consequence: functionally_normal.
ClinVar note: "not provided" was previously submitted as the classification for the variant. However, the classification appeared to be based only on an observation of functional data so it was converted to no classification on 2025-07-30.

NM_007294.4(BRCA1):c.26A>G (p.Glu9Gly)

Gene: BRCA1 (BRCA1 DNA repair associated; minus strand). Cytogenetic location: 17q21.31.
Variant type: single nucleotide variant.
Coding change: c.26A>G on transcript NM_007294.4 (MANE Select); coding-DNA position 26, A replaced by G.
Protein change: p.Glu9Gly; replaces glutamic acid 9 with glycine.
Molecular consequence: missense variant. On other transcripts: 5 prime UTR variant (1), non-coding transcript variant (1).
Genome position (GRCh38, 1-based): chr17:43,124,071, T>C on the plus strand (A>G on the coding strand, the complement: BRCA1 is on the minus strand). VCF-style: chr17-43124071-T-C. GRCh37 (hg19) VCF-style: chr17-41276088-T-C.
Other names: c.-163A>G (NM_001407571.1, NM_001407853.1, NM_001407879.1 and 46 more transcripts); c.26A>G, p.Glu9Gly (NM_001407581.1, NM_001407582.1, NM_001407583.1 and 193 more transcripts); c.-232A>G (NM_001407694.1, NM_001407724.1, NM_001407727.1 and 11 more transcripts); c.-236A>G (NM_001407695.1, NM_001408465.1); c.-377A>G (NM_001407696.1); c.-261A>G (NM_001407697.1, NM_001407846.1, NM_001407920.1); c.-62A>G (NM_001407698.1, NM_001407732.1, NM_001407736.1 and 23 more transcripts); c.-235A>G (NM_001407725.1, NM_001407730.1, NM_001407734.1 and 22 more transcripts); and 8 more; short protein forms E9G.
Identifiers: ClinVar variation 868707 (VCV000868707.3), dbSNP rs2055738683, ClinGen allele CA10602111.